The following is an entry in ClinVar:

NM_006642.5(SDCCAG8):c.895A>G (p.Asn299Asp)

Gene: SDCCAG8 (SHH signaling and ciliogenesis regulator SDCCAG8; plus strand). Cytogenetic location: 1q43.
Variant type: single nucleotide variant.
Coding change: c.895A>G on transcript NM_006642.5 (MANE Select); coding-DNA position 895, A replaced by G.
Protein change: p.Asn299Asp; replaces asparagine 299 with aspartic acid.
Molecular consequence: missense variant. On other transcripts: 5 prime UTR variant (3).
Genome position (GRCh38, 1-based): chr1:243,308,143, A>G. VCF-style: chr1-243308143-A-G. GRCh37 (hg19) VCF-style: chr1-243471445-A-G.
Other names: c.-9A>G (NM_001350246.2, NM_001350247.2, NM_001350251.2); c.991A>G, p.Asn331Asp (NM_001350248.2); c.601A>G, p.Asn201Asp (NM_001350249.2); short protein forms N201D, N299D, N331D.
Identifiers: ClinVar variation 3352969 (VCV003352969.2).

ClinVar aggregate classification (germline): Uncertain significance. Review status: criteria provided, single submitter (1 of 4 stars). 2 submissions from 2 submitters: Uncertain significance (1). 1 of the submissions does not count toward it. Last evaluated 2024-04-23.

Conditions:
Senior-Loken syndrome 7 (SLSN7). Identifiers: Orphanet 3156, MedGen C3150877, MONDO:0013326, OMIM 613615.
Bardet-Biedl syndrome 16 (BBS16). Identifiers: Orphanet 110, MedGen C3889474, MONDO:0014444, OMIM 615993.
SDCCAG8-related disorder. Also called: SDCCAG8-Related Disorders; SDCCAG8-related condition.

gnomAD v4.1: 7 of 1,614,048 alleles (0.00043%); highest among the groups gnomAD compares: Admixed American, 0.0033%; no homozygotes.

Submissions (2):

Fulgent Genetics
Classification: Uncertain significance for Senior-Loken syndrome 7; Bardet-Biedl syndrome 16. Last evaluated: 2024-04-23. Review status: criteria provided, single submitter. Criteria: ACMG Guidelines, 2015. Collection method: clinical testing. Allele origin: germline.

PreventionGenetics, part of Exact Sciences
Classification: Uncertain significance for SDCCAG8-related condition. Last evaluated: 2024-08-31. Review status: no assertion criteria provided. Collection method: clinical testing. Allele origin: germline. Not counted in ClinVar's aggregate classification.
Comment: The SDCCAG8 c.895A>G variant is predicted to result in the amino acid substitution p.Asn299Asp. To our knowledge, this variant has not been reported in the literature. This variant is reported in 0.0058% of alleles in individuals of Latino descent in gnomAD. At this time, the clinical significance of this variant is uncertain due to the absence of conclusive functional and genetic evidence.